The following is an entry in ClinVar:

ClinVar aggregate classification (germline): Uncertain significance (1 of 4 stars; one submission).

Conditions:
Hereditary cancer-predisposing syndrome. Also called: Neoplastic Syndromes, Hereditary; Tumor predisposition; Hereditary Cancer Syndrome; Hereditary neoplastic syndrome. Identifiers: Orphanet 140162, MedGen C0027672, MeSH D009386, MONDO:0015356.

Submission:

Ambry Genetics
Classification: Uncertain significance for Hereditary cancer-predisposing syndrome. Last evaluated: 2022-04-08. Review status: criteria provided, single submitter. Criteria: Ambry Variant Classification Scheme 2023. Collection method: clinical testing. Allele origin: germline.
Comment: The p.N1099D variant (also known as c.3295A>G), located in coding exon 16 of the BLM gene, results from an A to G substitution at nucleotide position 3295. The asparagine at codon 1099 is replaced by aspartic acid, an amino acid with highly similar properties. This amino acid position is conserved. In addition, this alteration is predicted to be tolerated by in silico analysis. Since supporting evidence is limited at this time, the clinical significance of this alteration remains unclear.

NM_000057.4(BLM):c.3295A>G (p.Asn1099Asp)

Gene: BLM (BLM RecQ like helicase; plus strand). Cytogenetic location: 15q26.1.
Variant type: single nucleotide variant.
Coding change: c.3295A>G on transcript NM_000057.4 (MANE Select); coding-DNA position 3295, A replaced by G.
Protein change: p.Asn1099Asp; replaces asparagine 1099 with aspartic acid.
Molecular consequence: missense variant.
Genome position (GRCh38, 1-based): chr15:90,798,274, A>G. VCF-style: chr15-90798274-A-G. GRCh37 (hg19) VCF-style: chr15-91341504-A-G.
Other names: c.3295A>G, p.Asn1099Asp (NM_001287246.2, NM_001287247.2); c.2170A>G, p.Asn724Asp (NM_001287248.2); short protein forms N1099D, N724D.
Identifiers: ClinVar variation 1729876 (VCV001729876.2), dbSNP rs2505534780, ClinGen allele CA393847281.